The following is an entry in ClinVar:

NM_001204.7(BMPR2):c.2674G>A (p.Glu892Lys)

Gene: BMPR2 (bone morphogenetic protein receptor type 2; plus strand). Cytogenetic location: 2q33.2.
Variant type: single nucleotide variant.
Coding change: c.2674G>A on transcript NM_001204.7 (MANE Select); coding-DNA position 2674, G replaced by A.
Protein change: p.Glu892Lys; replaces glutamic acid 892 with lysine.
Molecular consequence: missense variant.
Genome position (GRCh38, 1-based): chr2:202,556,339, G>A. VCF-style: chr2-202556339-G-A. GRCh37 (hg19) VCF-style: chr2-203421062-G-A.
Other names: short protein forms E892K.
Identifiers: ClinVar variation 3992197 (VCV003992197.1).
Genomic context (GRCh38, chr2:202,556,339, plus strand): 5'-AGACGAGAGCAACAAGCTGGCCATGATGAAGGTGTTCTGGATCGTCTTGTGGACAGGAGG[G>A]AACGGCCACTAGAAGGTGGCCGAACTAATTCCAATAACAACAACAGCAATCCATGTTCAG-3'
Protein context (NP_001195.2, residues 882-902): GVLDRLVDRR[Glu892Lys]RPLEGGRTNS

ClinVar aggregate classification (germline): Uncertain significance (1 of 4 stars; one submission).

Conditions:
Inborn genetic diseases. Identifiers: MedGen C0950123, MeSH D030342.

gnomAD v4.1: 10 of 1,614,196 alleles (0.00062%); highest among the groups gnomAD compares: Non-Finnish European, 0.00085%; no homozygotes.

Submission:

Ambry Genetics
Classification: Uncertain significance for Inborn genetic diseases. Last evaluated: 2025-05-24. Review status: criteria provided, single submitter. Criteria: Ambry Variant Classification Scheme 2023. Collection method: clinical testing. Allele origin: germline.
Comment: The p.E892K variant (also known as c.2674G>A), located in coding exon 12 of the BMPR2 gene, results from a G to A substitution at nucleotide position 2674. The glutamic acid at codon 892 is replaced by lysine, an amino acid with similar properties. This amino acid position is conserved. In addition, the in silico prediction for this alteration is inconclusive. Based on the available evidence, the clinical significance of this variant remains unclear.